The following is an entry in ClinVar:

NM_152703.5(SAMD9L):c.3565T>A (p.Tyr1189Asn)

Gene: SAMD9L (sterile alpha motif domain containing 9 like; minus strand). Cytogenetic location: 7q21.2.
Variant type: single nucleotide variant.
Coding change: c.3565T>A on transcript NM_152703.5 (MANE Select); coding-DNA position 3565, T replaced by A.
Protein change: p.Tyr1189Asn; replaces tyrosine 1189 with asparagine.
Molecular consequence: missense variant.
Genome position (GRCh38, 1-based): chr7:93,132,407, A>T on the plus strand (T>A on the coding strand, the complement: SAMD9L is on the minus strand). VCF-style: chr7-93132407-A-T. GRCh37 (hg19) VCF-style: chr7-92761720-A-T.
Other names: c.3565T>A, p.Tyr1189Asn (NM_001303496.3, NM_001303497.3, NM_001303498.3 and 5 more transcripts); c.3565T>A (NM_152703.2); short protein forms Y1189N.
Identifiers: ClinVar variation 3375637 (VCV003375637.2).

ClinVar aggregate classification (germline): Uncertain significance. Review status: criteria provided, multiple submitters, no conflicts (2 of 4 stars). 2 submissions from 2 submitters: Uncertain significance (2). Last evaluated 2025-03-30.

Conditions:
Inborn genetic diseases. Identifiers: MedGen C0950123, MeSH D030342.

gnomAD v4.1: 47 of 1,613,850 alleles (0.0029%); highest among the groups gnomAD compares: Non-Finnish European, 0.0038%; no homozygotes.

Submissions (2):

Ambry Genetics
Classification: Uncertain significance for Inborn genetic diseases. Last evaluated: 2025-03-30. Review status: criteria provided, single submitter. Criteria: Ambry Variant Classification Scheme 2023. Collection method: clinical testing. Allele origin: germline.
Comment: The p.Y1189N variant (also known as c.3565T>A), located in coding exon 1 of the SAMD9L gene, results from a T to A substitution at nucleotide position 3565. The tyrosine at codon 1189 is replaced by asparagine, an amino acid with dissimilar properties. This amino acid position is conserved. In addition, this alteration is predicted to be tolerated by in silico analysis. Based on the available evidence, the clinical significance of this variant remains unclear.

GeneDx
Classification: Uncertain significance. Last evaluated: 2024-05-07. Review status: criteria provided, single submitter. Criteria: GeneDx Variant Classification Process June 2021. Collection method: clinical testing. Allele origin: germline. Affected: yes.
Comment: Not observed at significant frequency in large population cohorts (gnomAD); In silico analysis indicates that this missense variant does not alter protein structure/function; Has not been previously published as pathogenic or benign to our knowledge